The following is an entry in ClinVar:

NM_002528.7(NTHL1):c.578G>A (p.Gly193Asp)

Gene: NTHL1 (nth like DNA glycosylase 1; minus strand). Cytogenetic location: 16p13.3.
Variant type: single nucleotide variant.
Coding change: c.578G>A on transcript NM_002528.7 (MANE Select); coding-DNA position 578, G replaced by A.
Protein change: p.Gly193Asp; replaces glycine 193 with aspartic acid.
Molecular consequence: missense variant.
Genome position (GRCh38, 1-based): chr16:2,043,674, C>T on the plus strand (G>A on the coding strand, the complement: NTHL1 is on the minus strand). VCF-style: chr16-2043674-C-T. GRCh37 (hg19) VCF-style: chr16-2093675-C-T.
Other names: c.407G>A, p.Gly136Asp (NM_001318193.2); c.248G>A, p.Gly83Asp (NM_001318194.2); c.602G>A (NM_002528.5); short protein forms G193D, G136D, G83D.
Identifiers: ClinVar variation 1975231 (VCV001975231.6), dbSNP rs1397844006, ClinGen allele CA394291936.
Genomic context (GRCh38, chr16:2,043,674, plus strand): 5'-ATCTTGGGCCCAACACCCGGCAGCGCCACCAGCTCGGCCACAGAGGCTGGGATGTCCCCA[C>T]CGTAGTGCTGCTGCAGGATGGCGCTGGTCTGCTTGATGTATTTCACCTTGCTCTGAAAGA-3'
Protein context (NP_002519.2, residues 183-203): QTSAILQQHY[Gly193Asp]GDIPASVAEL

ClinVar aggregate classification (germline): Uncertain significance. Review status: criteria provided, multiple submitters, no conflicts (2 of 4 stars). 2 submissions from 2 submitters: Uncertain significance (2). Last evaluated 2025-12-24.

Conditions:
Hereditary cancer-predisposing syndrome. Also called: Hereditary Cancer Syndrome; Neoplastic Syndromes, Hereditary; Tumor predisposition; Hereditary neoplastic syndrome. Identifiers: Orphanet 140162, MedGen C0027672, MeSH D009386, MONDO:0015356.

Allele frequency attached by ClinVar (database versions not stated): gnomAD exomes below 0.00001.
gnomAD v4.1: 1 of 1,612,184 alleles (0.000062%); highest among the groups gnomAD compares: South Asian, 0.0011%; no homozygotes.

Submissions (2):

Labcorp Genetics (formerly Invitae), Labcorp
Classification: Uncertain significance. Last evaluated: 2025-12-24. Review status: criteria provided, single submitter. Criteria: Invitae Variant Classification Sherloc (09022015). Collection method: clinical testing. Allele origin: germline.
Comment: This sequence change replaces glycine, which is neutral and non-polar, with aspartic acid, which is acidic and polar, at codon 201 of the NTHL1 protein (p.Gly201Asp). This variant is present in population databases (no rsID available, gnomAD 0.003%). This variant has not been reported in the literature in individuals affected with NTHL1-related conditions. ClinVar contains an entry for this variant (Variation ID: 1975231). An algorithm developed to predict the effect of missense changes on protein structure and function outputs the following: PolyPhen-2: "Benign". The aspartic acid amino acid residue is found in multiple mammalian species, which suggests that this missense change does not adversely affect protein function. In summary, the available evidence is currently insufficient to determine the role of this variant in disease. Therefore, it has been classified as a Variant of Uncertain Significance.

Ambry Genetics
Classification: Uncertain significance for Hereditary cancer-predisposing syndrome. Last evaluated: 2025-06-03. Review status: criteria provided, single submitter. Criteria: Ambry Variant Classification Scheme 2023. Collection method: clinical testing. Allele origin: germline.
Comment: The p.G201D variant (also known as c.602G>A), located in coding exon 4 of the NTHL1 gene, results from a G to A substitution at nucleotide position 602. The glycine at codon 201 is replaced by aspartic acid, an amino acid with similar properties. This amino acid position is conserved. In addition, this alteration is predicted to be tolerated by in silico analysis. Based on the available evidence, the clinical significance of this variant remains unclear.